The following is an entry in ClinVar:

NM_052867.4(NALCN):c.205T>C (p.Tyr69His)

Gene: NALCN (sodium leak channel, non-selective; minus strand). Cytogenetic location: 13q33.1.
Variant type: single nucleotide variant.
Coding change: c.205T>C on transcript NM_052867.4 (MANE Select); coding-DNA position 205, T replaced by C.
Protein change: p.Tyr69His; replaces tyrosine 69 with histidine.
Molecular consequence: missense variant.
Genome position (GRCh38, 1-based): chr13:101,395,269, A>G on the plus strand (T>C on the coding strand, the complement: NALCN is on the minus strand). VCF-style: chr13-101395269-A-G. GRCh37 (hg19) VCF-style: chr13-102047620-A-G.
Other names: c.205T>C, p.Tyr69His (NM_001350748.2, NM_001350749.2, NM_001350750.2 and 1 more transcripts); short protein forms Y69H.
Identifiers: ClinVar variation 4625748 (VCV004625748.1).

ClinVar aggregate classification (germline): Uncertain significance (1 of 4 stars; one submission).

Conditions:
Inborn genetic diseases. Identifiers: MedGen C0950123, MeSH D030342.

gnomAD v4.1: 1 of 1,614,126 alleles (0.000062%); highest among the groups gnomAD compares: Admixed American, 0.0017%; no homozygotes.

Submission:

Ambry Genetics
Classification: Uncertain significance for Inborn genetic diseases. Last evaluated: 2025-11-07. Review status: criteria provided, single submitter. Criteria: Ambry Variant Classification Scheme 2023. Collection method: clinical testing. Allele origin: germline.
Comment: The c.205T>C (p.Y69H) alteration is located in exon 3 (coding exon 2) of the NALCN gene. This alteration results from a T to C substitution at nucleotide position 205, causing the tyrosine (Y) at amino acid position 69 to be replaced by a histidine (H). Based on data from gnomAD, the C allele has an overall frequency of <0.001% (1/251382) total alleles studied. The highest observed frequency was 0.003% (1/34574) of Latino alleles. Based on insufficient or conflicting evidence, the clinical significance of this alteration remains unclear.